The following is an entry in ClinVar:

ClinVar aggregate classification (germline): Benign/Likely benign. Review status: criteria provided, multiple submitters, no conflicts (2 of 4 stars). 5 submissions from 5 submitters: Benign (1); Likely benign (3). 1 of the submissions does not count toward it. Last evaluated 2026-02-02.

Conditions:
Inborn genetic diseases. Identifiers: MedGen C0950123, MeSH D030342.
SRCAP-related disorder. Also called: SRCAP-related condition.

Allele frequency attached by ClinVar (database versions not stated): ESP Exome Variant Server 0.00008; gnomAD exomes 0.00015 and 0.00032; gnomAD 0.00017 and 0.00019; TOPMed 0.00020; ExAC 0.00022.
gnomAD v4.1: 256 of 1,609,326 alleles (0.016%); highest among the groups gnomAD compares: Admixed American, 0.0067%; no homozygotes.

Submissions (5):

Women's Health and Genetics/Laboratory Corporation of America, LabCorp
Classification: Likely benign. Last evaluated: 2026-02-02. Review status: criteria provided, single submitter. Criteria: LabCorp Variant Classification Summary - May 2015. Collection method: clinical testing. Allele origin: germline.
Comment: Variant summary: SRCAP c.3532C>T (p.Arg1178Cys) results in a non-conservative amino acid change in the encoded protein sequence. Algorithms developed to predict the effect of missense changes on protein structure and function all suggest that this variant is likely to be disruptive. The variant allele was found at a frequency of 0.00032 in 246268 control chromosomes, predominantly at a frequency of 0.0065 within the Ashkenazi Jewish subpopulation in the gnomAD database. The observed variant frequency within Ashkenazi Jewish control individuals in the gnomAD database exceeds the estimated maximal expected allele frequency for disease-causing variants in SRCAP. To our knowledge, no occurrence of c.3532C>T in individuals affected with SRCAP-related conditions and no experimental evidence demonstrating its impact on protein function have been reported. ClinVar contains an entry for this variant (Variation ID: 1600051). Based on the evidence outlined above, the variant was classified as likely benign.

Labcorp Genetics (formerly Invitae), Labcorp
Classification: Benign. Last evaluated: 2025-12-15. Review status: criteria provided, single submitter. Criteria: Invitae Variant Classification Sherloc (09022015). Collection method: clinical testing. Allele origin: germline.

Blueprint Genetics
Classification: Likely benign. Last evaluated: 2024-06-27. Review status: criteria provided, single submitter. Criteria: ACMG Guidelines, 2015. Collection method: clinical testing. Allele origin: germline.

Ambry Genetics
Classification: Likely benign for Inborn genetic diseases. Last evaluated: 2021-12-06. Review status: criteria provided, single submitter. Criteria: Ambry Variant Classification Scheme 2023. Collection method: clinical testing. Allele origin: germline.

PreventionGenetics, part of Exact Sciences
Classification: Benign for SRCAP-related condition. Last evaluated: 2019-06-06. Review status: no assertion criteria provided. Collection method: clinical testing. Allele origin: germline. Not counted in ClinVar's aggregate classification.
Comment: This variant is classified as benign based on ACMG/AMP sequence variant interpretation guidelines (Richards et al. 2015 PMID: 25741868, with internal and published modifications).

NM_006662.3(SRCAP):c.3532C>T (p.Arg1178Cys)

Gene: SRCAP (Snf2 related CREBBP activator protein; plus strand). Cytogenetic location: 16p11.2.
Variant type: single nucleotide variant.
Coding change: c.3532C>T on transcript NM_006662.3 (MANE Select); coding-DNA position 3532, C replaced by T.
Protein change: p.Arg1178Cys; replaces arginine 1178 with cysteine.
Molecular consequence: missense variant.
Genome position (GRCh38, 1-based): chr16:30,721,467, C>T. VCF-style: chr16-30721467-C-T. GRCh37 (hg19) VCF-style: chr16-30732788-C-T.
Other names: short protein forms R1178C.
Identifiers: ClinVar variation 1600051 (VCV001600051.13), dbSNP rs200261271, ClinGen allele CA8011504.
Genomic context (GRCh38, chr16:30,721,467, plus strand): 5'-GCAGTGCCAGCTCCGACTCCTGCACCACAGCGCCTCATTCTATCTCCCGATATGCAGGCT[C>T]GCCTGCCCTGTAAGTTCCCAGGGCTCTGTGGTGAGGGACTTGAGATGGGAGGAAAGCTCA-3'
Protein context (NP_006653.2, residues 1168-1188): RLILSPDMQA[Arg1178Cys]LPSGEVVSIG